The following is an entry in ClinVar:

ClinVar aggregate classification (germline): Benign. Review status: criteria provided, multiple submitters, no conflicts (2 of 4 stars). 3 submissions from 3 submitters: Benign (3). Last evaluated 2025-10-27.

Conditions:
RYR3-related disorder. Also called: RYR3-related condition.
Epileptic encephalopathy. Identifiers: MedGen C0543888, HP:0200134.

Allele frequency attached by ClinVar (database versions not stated): ESP Exome Variant Server 0.00813; gnomAD 0.00825 and 0.00892; TOPMed 0.00830; 1000 Genomes Project 0.00839; 1000 Genomes Project 30x 0.00843; gnomAD exomes 0.01130 and 0.01132; ExAC 0.01167.
gnomAD v4.1: 17,939 of 1,613,996 alleles (1.1%); highest among the groups gnomAD compares: South Asian, 2.4%; 142 homozygotes.

Submissions (3):

Labcorp Genetics (formerly Invitae), Labcorp
Classification: Benign for Epileptic encephalopathy. Last evaluated: 2025-10-27. Review status: criteria provided, single submitter. Criteria: Invitae Variant Classification Sherloc (09022015). Collection method: clinical testing. Allele origin: germline.

PreventionGenetics, part of Exact Sciences
Classification: Benign for RYR3-related condition. Last evaluated: 2025-06-03. Review status: criteria provided, single submitter. Criteria: ACMG Guidelines, 2015. Collection method: clinical testing. Allele origin: germline.
Comment: This variant is classified as benign based on ACMG/AMP sequence variant interpretation guidelines (Richards et al. 2015 PMID: 25741868, with internal and published modifications).

Breakthrough Genomics
Classification: Benign. Review status: criteria provided, single submitter. Criteria: ACMG Guidelines, 2015. Collection method: not provided. Allele origin: germline. Inheritance: Unknown mechanism. Affected: yes.

NM_001036.6(RYR3):c.13365G>A (p.Glu4455=)

Gene: RYR3 (ryanodine receptor 3; plus strand). Cytogenetic location: 15q14.
Variant type: single nucleotide variant.
Coding change: c.13365G>A on transcript NM_001036.6 (MANE Select); coding-DNA position 13365, G replaced by A.
Protein change: p.Glu4455=; no amino-acid change (glutamic acid 4455 retained).
Molecular consequence: synonymous variant.
Genome position (GRCh38, 1-based): chr15:33,844,930, G>A. VCF-style: chr15-33844930-G-A. GRCh37 (hg19) VCF-style: chr15-34137131-G-A.
Other names: c.13350G>A, p.Glu4450= (NM_001243996.4).
Identifiers: ClinVar variation 461862 (VCV000461862.12), dbSNP rs118177681, ClinGen allele CA7461619.
Genomic context (GRCh38, chr15:33,844,930, plus strand): 5'-AGAACCTTTAGAAGAAGAGACAGAGGATGTTGCAAACCTATGGAATTCCTTTAATGACGA[G>A]GAAGAGGAAGAAGCGATGGTATTCTTTGTCCTTCAGGAGAGCACCGGGTATATGGCACCA-3'
Protein context (NP_001027.3, residues 4445-4465): VANLWNSFND[Glu4455=]EEEEAMVFFV